The following is an entry in ClinVar:

ClinVar aggregate classification (germline): Uncertain significance. Review status: criteria provided, multiple submitters, no conflicts (2 of 4 stars). 2 submissions from 2 submitters: Uncertain significance (2). Last evaluated 2025-12-11.

Conditions:
Osteogenesis imperfecta type I (OI1). Also called: OI, TYPE I; OSTEOGENESIS IMPERFECTA TARDA; OSTEOGENESIS IMPERFECTA WITH BLUE SCLERAE; Osteogenesis imperfecta type 1; Lobstein's Disease; Lobstein disease. Identifiers: Orphanet 216796, Orphanet 666, MedGen C0023931, MONDO:0008146, OMIM 166200. Disease mechanism: loss of function.

gnomAD v4.1: 6 of 1,613,680 alleles (0.00037%); highest among the groups gnomAD compares: African/African-American, 0.0013%; no homozygotes.

Submissions (2):

Labcorp Genetics (formerly Invitae), Labcorp
Classification: Uncertain significance for Osteogenesis imperfecta type I. Last evaluated: 2025-12-11. Review status: criteria provided, single submitter. Criteria: Invitae Variant Classification Sherloc (09022015). Collection method: clinical testing. Allele origin: germline.
Comment: This sequence change replaces aspartic acid, which is acidic and polar, with asparagine, which is neutral and polar, at codon 837 of the COL1A1 protein (p.Asp837Asn). The frequency data for this variant in the population databases is considered unreliable, as metrics indicate poor data quality at this position in the gnomAD database. This variant has not been reported in the literature in individuals affected with COL1A1-related conditions. Invitae Evidence Modeling of protein sequence and biophysical properties (such as structural, functional, and spatial information, amino acid conservation, physicochemical variation, residue mobility, and thermodynamic stability) indicates that this missense variant is expected to disrupt COL1A1 protein function with a positive predictive value of 95%. In summary, the available evidence is currently insufficient to determine the role of this variant in disease. Therefore, it has been classified as a Variant of Uncertain Significance.

Blueprint Genetics
Classification: Uncertain significance. Last evaluated: 2024-01-09. Review status: criteria provided, single submitter. Criteria: ACMG Guidelines, 2015. Collection method: clinical testing. Allele origin: germline.

NM_000088.4(COL1A1):c.2509G>A (p.Asp837Asn)

Gene: COL1A1 (collagen type I alpha 1 chain; minus strand). Cytogenetic location: 17q21.33.
Variant type: single nucleotide variant.
Coding change: c.2509G>A on transcript NM_000088.4 (MANE Select); coding-DNA position 2509, G replaced by A.
Protein change: p.Asp837Asn; replaces aspartic acid 837 with asparagine.
Molecular consequence: missense variant.
Genome position (GRCh38, 1-based): chr17:50,190,051, C>T on the plus strand (G>A on the coding strand, the complement: COL1A1 is on the minus strand). VCF-style: chr17-50190051-C-T. GRCh37 (hg19) VCF-style: chr17-48267412-C-T.
Other names: short protein forms D837N.
Identifiers: ClinVar variation 4707149 (VCV004707149.2).